The following is an entry in ClinVar:

ClinVar aggregate classification (germline): Benign/Likely benign. Review status: criteria provided, multiple submitters, no conflicts (2 of 4 stars). 4 submissions from 4 submitters: Benign (1); Likely benign (3). Last evaluated 2026-07-01.

Allele frequency attached by ClinVar (database versions not stated): gnomAD exomes 0.00022 and 0.00089; gnomAD 0.00040 and 0.00060; TOPMed 0.00046; ExAC 0.00086; 1000 Genomes Project 30x 0.00359; 1000 Genomes Project 0.00379.
gnomAD v4.1: 444 of 1,614,060 alleles (0.028%); highest among the groups gnomAD compares: East Asian, 0.74%; 3 homozygotes.

Submissions (4):

CeGaT Center for Human Genetics Tuebingen
Classification: Likely benign. Last evaluated: 2026-07-01. Review status: criteria provided, single submitter. Criteria: CeGaT Center For Human Genetics Tuebingen Variant Classification Criteria Version 2. Collection method: clinical testing. Allele origin: germline. Affected: yes. Observed: 1 variant allele.
Comment: PDSS1: BP4, BS2

Labcorp Genetics (formerly Invitae), Labcorp
Classification: Benign. Last evaluated: 2026-02-01. Review status: criteria provided, single submitter. Criteria: Invitae Variant Classification Sherloc (09022015). Collection method: clinical testing. Allele origin: germline.

Blueprint Genetics
Classification: Likely benign. Last evaluated: 2024-11-14. Review status: criteria provided, single submitter. Criteria: ACMG Guidelines, 2015. Collection method: clinical testing. Allele origin: germline.

GeneDx
Classification: Likely benign. Last evaluated: 2017-06-20. Review status: criteria provided, single submitter. Criteria: GeneDx Variant Classification (06012015). Collection method: clinical testing. Allele origin: germline. Affected: yes.
Comment: This variant is considered likely benign or benign based on one or more of the following criteria: it is a conservative change, it occurs at a poorly conserved position in the protein, it is predicted to be benign by multiple in silico algorithms, and/or has population frequency not consistent with disease.

NM_014317.5(PDSS1):c.1108-3T>C

Gene: PDSS1 (decaprenyl diphosphate synthase subunit 1; plus strand). Cytogenetic location: 10p12.1.
Variant type: single nucleotide variant.
Coding change: c.1108-3T>C on transcript NM_014317.5 (MANE Select); 3 bases into the intron before coding-DNA position 1108, T replaced by C.
Molecular consequence: intron variant.
Genome position (GRCh38, 1-based): chr10:26,746,330, T>C. VCF-style: chr10-26746330-T-C. GRCh37 (hg19) VCF-style: chr10-27035259-T-C.
Other names: c.598-3T>C (NM_001321979.2); c.917-3T>C (NM_001321978.2).
Identifiers: ClinVar variation 516465 (VCV000516465.13), dbSNP rs202175213, ClinGen allele CA5447154.